The following is an entry in ClinVar:

NM_000018.4(ACADVL):c.1592G>A (p.Arg531Gln)

Gene: ACADVL (acyl-CoA dehydrogenase very long chain; plus strand). Cytogenetic location: 17p13.1.
Variant type: single nucleotide variant.
Coding change: c.1592G>A on transcript NM_000018.4 (MANE Select); coding-DNA position 1592, G replaced by A.
Protein change: p.Arg531Gln; replaces arginine 531 with glutamine.
Molecular consequence: missense variant.
Genome position (GRCh38, 1-based): chr17:7,224,380, G>A. VCF-style: chr17-7224380-G-A. GRCh37 (hg19) VCF-style: chr17-7127699-G-A.
Other names: c.1526G>A, p.Arg509Gln (NM_001033859.3); c.1661G>A, p.Arg554Gln (NM_001270447.2); c.1364G>A, p.Arg455Gln (NM_001270448.2); short protein forms R531Q, R455Q, R509Q, R554Q.
Identifiers: ClinVar variation 1366698 (VCV001366698.7), dbSNP rs772763960, ClinGen allele CA8338164.

ClinVar aggregate classification (germline): Uncertain significance. Review status: criteria provided, multiple submitters, no conflicts (2 of 4 stars). 2 submissions from 2 submitters: Uncertain significance (2). Last evaluated 2025-09-02.

Conditions:
Very long chain acyl-CoA dehydrogenase deficiency (ACADVLD). Also called: VLCAD Deficiency; Very Long-Chain Acyl-Coenzyme A Dehydrogenase Deficiency. Identifiers: Orphanet 26793, MedGen C3887523, MONDO:0008723, OMIM 201475.

Allele frequency attached by ClinVar (database versions not stated): ExAC 0.00003; gnomAD 0.00004 and 0.00005; TOPMed 0.00005.
gnomAD v4.1: 36 of 1,613,802 alleles (0.0022%); highest among the groups gnomAD compares: East Asian, 0.02%; no homozygotes.

Submissions (2):

Women's Health and Genetics/Laboratory Corporation of America, LabCorp
Classification: Uncertain significance. Last evaluated: 2025-09-02. Review status: criteria provided, single submitter. Criteria: LabCorp Variant Classification Summary - May 2015. Collection method: clinical testing. Allele origin: germline.
Comment: Variant summary: ACADVL c.1592G>A (p.Arg531Gln) results in a conservative amino acid change in the encoded protein sequence. Algorithms developed to predict the effect of missense changes on protein structure and function are either unavailable or do not agree on the potential impact of this missense change. The variant allele was found at a frequency of 2e-05 in 250118 control chromosomes. The available data on variant occurrences in the general population are insufficient to allow any conclusion about variant significance. c.1592G>A has been observed in an individual with abnormal newborn screen result (Tajima_2024). These report(s) do not provide unequivocal conclusions about association of the variant with Very Long Chain Acyl-CoA Dehydrogenase Deficiency. A different variant affecting the same codon has been classified as likely pathogenic by our lab (c.1591C>T,p.Arg531Trp), supporting the critical relevance of codon 531 to ACADVL protein function. To our knowledge, no experimental evidence demonstrating an impact on protein function has been reported. The following publication has been ascertained in the context of this evaluation (PMID: 38390979). ClinVar contains an entry for this variant (Variation ID: 1366698). Based on the evidence outlined above, the variant was classified as uncertain significance.

Labcorp Genetics (formerly Invitae), Labcorp
Classification: Uncertain significance for Very long chain acyl-CoA dehydrogenase deficiency. Last evaluated: 2024-12-16. Review status: criteria provided, single submitter. Criteria: Invitae Variant Classification Sherloc (09022015). Collection method: clinical testing. Allele origin: germline.
Comment: This sequence change replaces arginine, which is basic and polar, with glutamine, which is neutral and polar, at codon 531 of the ACADVL protein (p.Arg531Gln). This variant is present in population databases (rs772763960, gnomAD 0.01%). This variant has not been reported in the literature in individuals affected with ACADVL-related conditions. ClinVar contains an entry for this variant (Variation ID: 1366698). Invitae Evidence Modeling of protein sequence and biophysical properties (such as structural, functional, and spatial information, amino acid conservation, physicochemical variation, residue mobility, and thermodynamic stability) indicates that this missense variant is not expected to disrupt ACADVL protein function with a negative predictive value of 80%. This variant disrupts the p.Arg531 amino acid residue in ACADVL. Other variant(s) that disrupt this residue have been determined to be pathogenic (PMID: 21932095, 31031081; internal data). This suggests that this residue is clinically significant, and that variants that disrupt this residue are likely to be disease-causing. In summary, the available evidence is currently insufficient to determine the role of this variant in disease. Therefore, it has been classified as a Variant of Uncertain Significance.

Literature cited by the submitters: PubMed 38390979 (cited by Women's Health and Genetics/Laboratory Corporation of America, LabCorp); PubMed 21932095 (cited by Labcorp Genetics (formerly Invitae), Labcorp); PubMed 31031081 (cited by Labcorp Genetics (formerly Invitae), Labcorp).